The following is an entry in ClinVar:

NM_001206927.2(DNAH8):c.5129T>A (p.Val1710Glu)

Gene: DNAH8 (dynein axonemal heavy chain 8; plus strand). Cytogenetic location: 6p21.2.
Variant type: single nucleotide variant.
Coding change: c.5129T>A on transcript NM_001206927.2 (MANE Select); coding-DNA position 5129, T replaced by A.
Protein change: p.Val1710Glu; replaces valine 1710 with glutamic acid.
Molecular consequence: missense variant.
Genome position (GRCh38, 1-based): chr6:38,848,731, T>A. VCF-style: chr6-38848731-T-A. GRCh37 (hg19) VCF-style: chr6-38816507-T-A.
Other names: c.4478T>A, p.Val1493Glu (NM_001371.4); short protein forms V1710E, V1493E.
Identifiers: ClinVar variation 4752592 (VCV004752592.1).
Genomic context (GRCh38, chr6:38,848,731, plus strand): 5'-ATATCCAGAATTGGGTGTATAAATTGTCCACTTCCTCAGATATAATTGAAGAGTGGCTCG[T>A]AGTACAGAACCTTTGGGTTTATCTTGAAGCCGTCTTTGTAGGTGGAGATATTGCCAAACA-3'
Protein context (NP_001193856.1, residues 1700-1720): TSSDIIEEWL[Val1710Glu]VQNLWVYLEA

ClinVar aggregate classification (germline): Uncertain significance (1 of 4 stars; one submission).

Conditions:
Primary ciliary dyskinesia. Also called: Ciliary dyskinesia. Identifiers: Orphanet 244, MedGen C0008780, MONDO:0016575, HP:0012265.

gnomAD v4.1: 3 of 1,613,134 alleles (0.00019%); highest among the groups gnomAD compares: African/African-American, 0.004%; no homozygotes.

Submission:

Labcorp Genetics (formerly Invitae), Labcorp
Classification: Uncertain significance for Primary ciliary dyskinesia. Last evaluated: 2025-07-23. Review status: criteria provided, single submitter. Criteria: Invitae Variant Classification Sherloc (09022015). Collection method: clinical testing. Allele origin: germline.
Comment: This sequence change replaces valine, which is neutral and non-polar, with glutamic acid, which is acidic and polar, at codon 1710 of the DNAH8 protein (p.Val1710Glu). This variant is not present in population databases (gnomAD no frequency). This variant has not been reported in the literature in individuals affected with DNAH8-related conditions. Invitae Evidence Modeling of protein sequence and biophysical properties (such as structural, functional, and spatial information, amino acid conservation, physicochemical variation, residue mobility, and thermodynamic stability) indicates that this missense variant is not expected to disrupt DNAH8 protein function with a negative predictive value of 80%. In summary, the available evidence is currently insufficient to determine the role of this variant in disease. Therefore, it has been classified as a Variant of Uncertain Significance.